The following is an entry in ClinVar:

NM_144670.6(A2ML1):c.619G>C (p.Gly207Arg)

Gene: A2ML1 (alpha-2-macroglobulin like 1; plus strand). Cytogenetic location: 12p13.31.
Variant type: single nucleotide variant.
Coding change: c.619G>C on transcript NM_144670.6 (MANE Select); coding-DNA position 619, G replaced by C.
Protein change: p.Gly207Arg; replaces glycine 207 with arginine.
Molecular consequence: missense variant.
Genome position (GRCh38, 1-based): chr12:8,835,642, G>C. VCF-style: chr12-8835642-G-C. GRCh37 (hg19) VCF-style: chr12-8988238-G-C.
Other names: short protein forms G207R.
Identifiers: ClinVar variation 120255 (VCV000120255.16), dbSNP rs11047499, ClinGen allele CA230646.
Genomic context (GRCh38, chr12:8,835,642, plus strand): 5'-CTGGCACCAGAGGCAATGCTGGGCACCTACACTGTGGCAGTGGCTGAGGGCAAGACCTTT[G>C]GTACTTTCAGTGTGGAGGAATATGGTAGGTGGGGAAATGGACAGGCCAAAGTATTGGGCA-3'
Protein context (NP_653271.3, residues 197-217): TVAVAEGKTF[Gly207Arg]TFSVEEYVLP

ClinVar aggregate classification (germline): Benign. Review status: criteria provided, multiple submitters, no conflicts (2 of 4 stars). 7 submissions from 7 submitters: Benign (4). 3 of the submissions do not count toward it. Last evaluated 2026-02-02.

Allele frequency attached by ClinVar (database versions not stated): ESP Exome Variant Server 0.02661; TOPMed 0.02939; 1000 Genomes Project 0.02975; 1000 Genomes Project 30x 0.03264.
gnomAD v4.1: 7,888 of 1,614,080 alleles (0.49%); highest among the groups gnomAD compares: African/African-American, 9%; 335 homozygotes.

Submissions (7):

Labcorp Genetics (formerly Invitae), Labcorp
Classification: Benign. Last evaluated: 2026-02-02. Review status: criteria provided, single submitter. Criteria: Invitae Variant Classification Sherloc (09022015). Collection method: clinical testing. Allele origin: germline.

Women's Health and Genetics/Laboratory Corporation of America, LabCorp
Classification: Benign. Last evaluated: 2017-07-06. Review status: criteria provided, single submitter. Criteria: LabCorp Variant Classification Summary - May 2015. Collection method: clinical testing. Allele origin: germline.
Comment: Variant summary: The A2ML1 c.619G>C (p.Gly207Arg) variant involves the alteration of a non-conserved nucleotide. 2/3 in silico tools predict a benign outcome for this variant (SNPsandGO not captured due to low reliability index). This variant was found in 956/120716 control chromosomes (44 homozygotes), predominantly observed in the African subpopulation at a frequency of 0.088193 (865/9808). This frequency is about 22048 times the estimated maximal expected allele frequency of a pathogenic A2ML1 variant (0.000004), thus it is a common benign polymorphism found primarily in the populations of African origin. In addition, one clinical diagnostic laboratory (via ClinVar) has classified this variant as benign. Taken together, this variant is classified as benign.

GeneDx
Classification: Benign. Last evaluated: 2016-12-22. Review status: criteria provided, single submitter. Criteria: GeneDx Variant Classification (06012015). Collection method: clinical testing. Allele origin: germline. Affected: yes.
Comment: This variant is considered likely benign or benign based on one or more of the following criteria: it is a conservative change, it occurs at a poorly conserved position in the protein, it is predicted to be benign by multiple in silico algorithms, and/or has population frequency not consistent with disease.

Breakthrough Genomics
Classification: Benign. Review status: criteria provided, single submitter. Criteria: ACMG Guidelines, 2015. Collection method: not provided. Allele origin: germline. Inheritance: Autosomal dominant inheritance. Affected: yes.

Clinical Genetics, Academic Medical Center
Classification: Benign. Review status: no assertion criteria provided. Collection method: clinical testing. Allele origin: germline. Affected: yes. Study: VKGL Data-share Consensus. Not counted in ClinVar's aggregate classification.

Institute of Molecular Pathology and Immunology of the University of Porto (IPATIMUP)
No classification provided. Review status: no classification provided. Collection method: not provided. Allele origin: germline. Not counted in ClinVar's aggregate classification.

Joint Genome Diagnostic Labs from Nijmegen and Maastricht, Radboudumc and MUMC+
Classification: Benign. Review status: no assertion criteria provided. Collection method: clinical testing. Allele origin: germline. Affected: yes. Study: VKGL Data-share Consensus. Not counted in ClinVar's aggregate classification.

Literature cited by the submitters: PubMed 24896146 (cited by Women's Health and Genetics/Laboratory Corporation of America, LabCorp).